The following is an entry in ClinVar:

NM_004517.4(ILK):c.1159A>G (p.Thr387Ala)

Genes: ILK (integrin linked kinase; plus strand), TAF10 (TATA-box binding protein associated factor 10; minus strand). Cytogenetic location: 11p15.4.
Variant type: single nucleotide variant.
Coding change: c.1159A>G on transcript NM_004517.4 (MANE Select); coding-DNA position 1159, A replaced by G.
Protein change: p.Thr387Ala; replaces threonine 387 with alanine.
Molecular consequence: missense variant. On other transcripts: 3 prime UTR variant (1).
Genome position (GRCh38, 1-based): chr11:6,610,228, A>G. VCF-style: chr11-6610228-A-G. GRCh37 (hg19) VCF-style: chr11-6631459-A-G.
Other names: c.1159A>G, p.Thr387Ala (NM_001014794.3, NM_001014795.3); c.976A>G, p.Thr326Ala (NM_001278441.2); c.757A>G, p.Thr253Ala (NM_001278442.2); c.*694T>C (NM_006284.4); short protein forms T387A, T253A, T326A.
Identifiers: ClinVar variation 3528901 (VCV003528901.1).

ClinVar aggregate classification (germline): Uncertain significance (1 of 4 stars; one submission).

Submission:

Ambry Genetics
Classification: Uncertain significance. Last evaluated: 2024-10-07. Review status: criteria provided, single submitter. Criteria: Ambry Variant Classification Scheme 2023. Collection method: clinical testing. Allele origin: germline.
Comment: The p.T387A variant (also known as c.1159A>G), located in coding exon 11 of the ILK gene, results from an A to G substitution at nucleotide position 1159. The threonine at codon 387 is replaced by alanine, an amino acid with similar properties. This amino acid position is conserved. In addition, the in silico prediction for this alteration is inconclusive. Based on the available evidence, the clinical significance of this variant remains unclear.